The following is an entry in ClinVar:

ClinVar aggregate classification (germline): Likely pathogenic (1 of 4 stars; one submission).

Conditions:
Allan-Herndon-Dudley syndrome (AHDS). Also called: MENTAL RETARDATION AND MUSCULAR ATROPHY; T3 RESISTANCE; TRIIODOTHYRONINE RESISTANCE; Passos-Bueno syndrome; ALLAN-HERNDON SYNDROME. Identifiers: Orphanet 59, MedGen C0795889, MONDO:0010354, OMIM 300523.

Submission:

Illumina Laboratory Services, Illumina
Classification: Likely pathogenic for Allan-Herndon-Dudley syndrome. Last evaluated: 2018-03-26. Review status: criteria provided, single submitter. Criteria: ICSLVariantClassificationCriteria RUGD 01 April 2020. Collection method: clinical testing. Allele origin: unknown.
Comment: The SLC16A2 c.629C>A p.(Ser210Tyr) missense variant has been identified in an individual with a phenotype consistent with Allan-Herndon-Dudley syndrome (Dye et al. 2020). This variant is not observed in version 2.1.1 of the Genome Aggregation Database. The variant is located in the helical transmembrane domain. Based on the available evidence the c.629C>A p.(Ser210Tyr) variant is classified as likely pathogenic for Allan-Herndon-Dudley syndrome.

NM_006517.5(SLC16A2):c.629C>A (p.Ser210Tyr)

Gene: SLC16A2 (solute carrier family 16 member 2; plus strand). Cytogenetic location: Xq13.2.
Variant type: single nucleotide variant.
Coding change: c.629C>A on transcript NM_006517.5 (MANE Select); coding-DNA position 629, C replaced by A.
Protein change: p.Ser210Tyr; replaces serine 210 with tyrosine.
Molecular consequence: missense variant.
Genome position (GRCh38, 1-based): chrX:74,524,412, C>A. VCF-style: chrX-74524412-C-A. GRCh37 (hg19) VCF-style: chrX-73744247-C-A.
Other names: short protein forms S210Y.
Identifiers: ClinVar variation 3062067 (VCV003062067.1), dbSNP rs746493490, ClinGen allele CA413656946.
Genomic context (GRCh38, chrX:74,524,412, plus strand): 5'-CCCACAGCTCCCTAAGCCTGCGCTACTTCACCTACGGGATTCTCTTTGGTTGTGGCTGTT[C>A]CTTCGCCTTTCAGCCATCCCTCGTCATCCTGGGCCACTACTTTCAACGCCGCCTGGGTCT-3'
Protein context (NP_006508.2, residues 200-220): TYGILFGCGC[Ser210Tyr]FAFQPSLVIL